The following is an entry in ClinVar:

ClinVar aggregate classification (germline): Likely benign. Review status: criteria provided, multiple submitters, no conflicts (2 of 4 stars). 3 submissions from 3 submitters: Likely benign (2). 1 of the submissions does not count toward it. Last evaluated 2024-08-20.

Conditions:
PKD1-related disorder. Also called: PKD1-related condition.

Allele frequency attached by ClinVar (database versions not stated): ExAC 0.00026; 1000 Genomes Project 30x 0.00047; 1000 Genomes Project 0.00060; ESP Exome Variant Server 0.00077; gnomAD 0.00084; TOPMed 0.00086.
gnomAD v4.1: 274 of 1,612,314 alleles (0.017%); highest among the groups gnomAD compares: African/African-American, 0.31%; no homozygotes.

Submissions (3):

Blueprint Genetics
Classification: Likely benign. Last evaluated: 2024-08-20. Review status: criteria provided, single submitter. Criteria: ACMG Guidelines, 2015. Collection method: clinical testing. Allele origin: germline.

CeGaT Center for Human Genetics Tuebingen
Classification: Likely benign. Last evaluated: 2023-04-01. Review status: criteria provided, single submitter. Criteria: CeGaT Center For Human Genetics Tuebingen Variant Classification Criteria Version 2. Collection method: clinical testing. Allele origin: germline. Affected: yes. Observed: 1 variant allele.
Comment: PKD1: BP4, BP7

PreventionGenetics, part of Exact Sciences
Classification: Likely benign for PKD1-related condition. Last evaluated: 2020-02-19. Review status: no assertion criteria provided. Collection method: clinical testing. Allele origin: germline. Not counted in ClinVar's aggregate classification.
Comment: This variant is classified as likely benign based on ACMG/AMP sequence variant interpretation guidelines (Richards et al. 2015 PMID: 25741868, with internal and published modifications).

NM_001009944.3(PKD1):c.12690C>T (p.Asn4230=)

Gene: PKD1 (polycystin 1, transient receptor potential channel interacting; minus strand). Cytogenetic location: 16p13.3.
Variant type: single nucleotide variant.
Coding change: c.12690C>T on transcript NM_001009944.3 (MANE Select); coding-DNA position 12690, C replaced by T.
Protein change: p.Asn4230=; no amino-acid change (asparagine 4230 retained).
Molecular consequence: synonymous variant.
Genome position (GRCh38, 1-based): chr16:2,089,949, G>A on the plus strand (C>T on the coding strand, the complement: PKD1 is on the minus strand). VCF-style: chr16-2089949-G-A. GRCh37 (hg19) VCF-style: chr16-2139950-G-A.
Other names: c.12687C>T, p.Asn4229= (NM_000296.4).
Identifiers: ClinVar variation 2645976 (VCV002645976.26), dbSNP rs148433208, ClinGen allele CA7828502.